The following is an entry in ClinVar:

ClinVar aggregate classification (germline): Benign. Review status: criteria provided, multiple submitters, no conflicts (2 of 4 stars). 2 submissions from 2 submitters: Benign (2). Last evaluated 2024-07-15.

Submissions (2):

Unidad de Genómica Garrahan, Hospital de Pediatría Garrahan
Classification: Benign. Last evaluated: 2024-07-15. Review status: criteria provided, single submitter. Criteria: ACMG Guidelines, 2015. Collection method: clinical testing. Allele origin: germline. Affected: no. Observed: 75 variant alleles.
Comment: This variant is classified as Benign based on local population frequency. This variant was detected in 81% of patients studied in a panel designed for Epileptic and Developmental Encephalopathy and Progressive Myoclonus Epilepsy. Number of patients: 75. Only high quality variants are reported.

GeneDx
Classification: Benign. Last evaluated: 2018-06-24. Review status: criteria provided, single submitter. Criteria: GeneDx Variant Classification Process June 2021. Collection method: clinical testing. Allele origin: germline. Affected: yes.

NM_000092.5(COL4A4):c.871-60_871-38del

Gene: COL4A4 (collagen type IV alpha 4 chain; minus strand). Cytogenetic location: 2q36.3.
Variant type: Deletion.
Coding change: c.871-60_871-38del on transcript NM_000092.5 (MANE Select); 60 bases into the intron before coding-DNA position 871 through 38 bases into the intron before coding-DNA position 871, 23 bases deleted (CTTTCCCTATTGCTGAAATATTG).
Molecular consequence: intron variant.
Genome position (GRCh38, 1-based): chr2:227,102,886-227,102,908, CAATATTTCAGCAATAGGGAAAG deleted on the plus strand (CTTTCCCTATTGCTGAAATATTG on the coding strand, the reverse complement: COL4A4 is on the minus strand); deleting any 23 consecutive bases within chr2:227,102,886-227,102,930 gives the same sequence; the c. name uses the placement nearest the transcript's 3' end. VCF-style (leftmost placement, unchanged base first): chr2-227102885-ACAATATTTCAGCAATAGGGAAAG-A. GRCh37 (hg19) VCF-style: chr2-227967601-ACAATATTTCAGCAATAGGGAAAG-A.
Identifiers: ClinVar variation 1239096 (VCV001239096.5), dbSNP rs11274738, ClinGen allele CA2145378.
Genomic context (GRCh38, chr2:227,102,885, plus strand): 5'-TTTTGCCCCAATACCAGATTCTCCCTTTAAGAGATGACAACATTTAGAGGGGTTCAAGCA[ACAATATTTCAGCAATAGGGAAAG>A]CAATATTTCAGCAATAGGGAAAAAAAACAAAATGAGAAACAAAAATTATTGTCAGCAGCT-3'